The following is an entry in ClinVar:

NM_005271.5(GLUD1):c.398A>G (p.Glu133Gly)

Genes: GLUD1 (glutamate dehydrogenase 1; minus strand), LOC130004254 (ATAC-STARR-seq lymphoblastoid silent region 2576; plus strand). Cytogenetic location: 10q23.2.
Variant type: single nucleotide variant.
Coding change: c.398A>G on transcript NM_005271.5 (MANE Select); coding-DNA position 398, A replaced by G.
Protein change: p.Glu133Gly; replaces glutamic acid 133 with glycine.
Molecular consequence: missense variant. On other transcripts: 5 prime UTR variant (3).
Genome position (GRCh38, 1-based): chr10:87,094,372, T>C on the plus strand (A>G on the coding strand, the complement: GLUD1 is on the minus strand). VCF-style: chr10-87094372-T-C. GRCh37 (hg19) VCF-style: chr10-88854129-T-C.
Other names: c.-331A>G (NM_001318904.2); c.-457A>G (NM_001318905.2); c.-164A>G (NM_001318906.2); short protein forms E133G.
Identifiers: ClinVar variation 3654152 (VCV003654152.2).
Genomic context (GRCh38, chr10:87,094,372, plus strand): 5'-GGCCGACGCTCACCTCCCTTGCAGGGCGTGCGGTGCTGGCTGTGCTGGGCCCGGTAGCCT[T>C]CGATGACCTCCCAGGAGCCGTCGTCGCGCCGGATGGGGAAGGAGAGACTCAGCACATGGT-3'
Protein context (NP_005262.1, residues 123-143): RRDDGSWEVI[Glu133Gly]GYRAQHSQHR

ClinVar aggregate classification (germline): Uncertain significance (1 of 4 stars; one submission).

Conditions:
Hyperinsulinism-hyperammonemia syndrome (HHF6). Identifiers: Orphanet 35878, MedGen C1847555, MONDO:0011717, OMIM 606762.

Submission:

Labcorp Genetics (formerly Invitae), Labcorp
Classification: Uncertain significance for Hyperinsulinism-hyperammonemia syndrome. Last evaluated: 2024-06-07. Review status: criteria provided, single submitter. Criteria: Invitae Variant Classification Sherloc (09022015). Collection method: clinical testing. Allele origin: germline.
Comment: This sequence change replaces glutamic acid, which is acidic and polar, with glycine, which is neutral and non-polar, at codon 133 of the GLUD1 protein (p.Glu133Gly). This variant is not present in population databases (gnomAD no frequency). This variant has not been reported in the literature in individuals affected with GLUD1-related conditions. Advanced modeling of protein sequence and biophysical properties (such as structural, functional, and spatial information, amino acid conservation, physicochemical variation, residue mobility, and thermodynamic stability) has been performed at Invitae for this missense variant, however the output from this modeling did not meet the statistical confidence thresholds required to predict the impact of this variant on GLUD1 protein function. In summary, the available evidence is currently insufficient to determine the role of this variant in disease. Therefore, it has been classified as a Variant of Uncertain Significance.